The following is an entry in ClinVar:

ClinVar aggregate classification (germline): Likely benign. Review status: criteria provided, multiple submitters, no conflicts (2 of 4 stars). 2 submissions from 2 submitters: Likely benign (2). Last evaluated 2025-08-20.

Allele frequency attached by ClinVar (database versions not stated): gnomAD exomes 0.00001 and 0.00005; ExAC 0.00005; TOPMed 0.00006.
gnomAD v4.1: 9 of 1,211,525 alleles (0.00074%); highest among the groups gnomAD compares: East Asian, 0.027%; no homozygotes.

Submissions (2):

Labcorp Genetics (formerly Invitae), Labcorp
Classification: Likely benign. Last evaluated: 2025-08-20. Review status: criteria provided, single submitter. Criteria: Invitae Variant Classification Sherloc (09022015). Collection method: clinical testing. Allele origin: germline.

GeneDx
Classification: Likely benign. Last evaluated: 2018-07-31. Review status: criteria provided, single submitter. Criteria: GeneDx Variant Classification Process June 2021. Collection method: clinical testing. Allele origin: germline. Affected: yes.
Comment: See Variant Classification Assertion Criteria.

NM_001008537.3(NEXMIF):c.1172A>G (p.Glu391Gly)

Gene: NEXMIF (neurite extension and migration factor; minus strand). Cytogenetic location: Xq13.3.
Variant type: single nucleotide variant.
Coding change: c.1172A>G on transcript NM_001008537.3 (MANE Select); coding-DNA position 1172, A replaced by G.
Protein change: p.Glu391Gly; replaces glutamic acid 391 with glycine.
Molecular consequence: missense variant.
Genome position (GRCh38, 1-based): chrX:74,743,385, T>C on the plus strand (A>G on the coding strand, the complement: NEXMIF is on the minus strand). VCF-style: chrX-74743385-T-C. GRCh37 (hg19) VCF-style: chrX-73963220-T-C.
Other names: short protein forms E391G.
Identifiers: ClinVar variation 1131503 (VCV001131503.8), dbSNP rs775401715, ClinGen allele CA10455144.